The following is an entry in ClinVar:

ClinVar aggregate classification (germline): Uncertain significance (1 of 4 stars; one submission).

Submission:

GeneDx
Classification: Uncertain significance. Last evaluated: 2023-01-27. Review status: criteria provided, single submitter. Criteria: GeneDx Variant Classification Process June 2021. Collection method: clinical testing. Allele origin: germline. Affected: yes.
Comment: In-frame deletion of 10 amino acids in a non-repeat region; Not observed at significant frequency in large population cohorts (gnomAD); In silico analysis supports a deleterious effect on protein structure/function; Has not been previously published as pathogenic or benign to our knowledge

NM_001379403.1(WDR26):c.1540_1569del (p.Asn514_Asp523del)

Gene: WDR26 (WD repeat domain 26; minus strand). Cytogenetic location: 1q42.12.
Variant type: Deletion.
Coding change: c.1540_1569del on transcript NM_001379403.1 (MANE Select); coding-DNA positions 1540 to 1569, 30 bases deleted (AACTATCTTGTTGCTTGTGGCCCAGATGAC).
Protein change: p.Asn514_Asp523del.
Molecular consequence: inframe deletion.
Genome position (GRCh38, 1-based): chr1:224,404,460-224,404,489, GTCATCTGGGCCACAAGCAACAAGATAGTT deleted on the plus strand (AACTATCTTGTTGCTTGTGGCCCAGATGAC on the coding strand, the reverse complement: WDR26 is on the minus strand); deleting any 30 consecutive bases within chr1:224,404,460-224,404,498 gives the same sequence; the c. name uses the placement nearest the transcript's 3' end. VCF-style (leftmost placement, unchanged base first): chr1-224404459-AGTCATCTGGGCCACAAGCAACAAGATAGTT-A. GRCh37 (hg19) VCF-style: chr1-224592161-AGTCATCTGGGCCACAAGCAACAAGATAGTT-A.
Other names: c.1192_1221del, p.Asn398_Asp407del (NM_001115113.3); c.1240_1269del, p.Asn414_Asp423del (NM_025160.7).
Identifiers: ClinVar variation 2574355 (VCV002574355.1), dbSNP rs2464697260, ClinGen allele CA2580612903.